The following is an entry in ClinVar:

NM_004092.4(ECHS1):c.7G>A (p.Ala3Thr)

Genes: ECHS1 (enoyl-CoA hydratase, short chain 1; minus strand), LOC130005023 (ATAC-STARR-seq lymphoblastoid silent region 2977; plus strand). Cytogenetic location: 10q26.3.
Variant type: single nucleotide variant.
Coding change: c.7G>A on transcript NM_004092.4 (MANE Select); coding-DNA position 7, G replaced by A.
Protein change: p.Ala3Thr; replaces alanine 3 with threonine.
Molecular consequence: missense variant.
Genome position (GRCh38, 1-based): chr10:133,373,327, C>T on the plus strand (G>A on the coding strand, the complement: ECHS1 is on the minus strand). VCF-style: chr10-133373327-C-T. GRCh37 (hg19) VCF-style: chr10-135186831-C-T.
Other names: c.7G>A (NM_004092.3); short protein forms A3T.
Identifiers: ClinVar variation 376958 (VCV000376958.8), dbSNP rs1057520096, ClinGen allele CA16603219.

ClinVar aggregate classification (germline): Conflicting classifications of pathogenicity. Review status: criteria provided, conflicting classifications (1 of 4 stars). 4 submissions from 4 submitters: Likely pathogenic (1); Uncertain significance (3). Last evaluated 2023-12-07.

Conditions:
Mitochondrial short-chain Enoyl-Coa hydratase 1 deficiency. Also called: ECHS1 deficiency; PxMD-ECHS1; Mitochondrial Short-Chain Enoyl-CoA Hydratase Deficiency. Identifiers: Orphanet 255241, Orphanet 653880, MedGen C4225391, MONDO:0014563, OMIM 616277.

Allele frequency attached by ClinVar (database versions not stated): gnomAD 0.00001; TOPMed 0.00002.
gnomAD v4.1: 67 of 1,502,270 alleles (0.0045%); highest among the groups gnomAD compares: Admixed American, 0.0062%; no homozygotes.

Submissions (4):

ARUP Laboratories, Molecular Genetics and Genomics, ARUP Laboratories
Classification: Uncertain significance for Mitochondrial short-chain Enoyl-Coa hydratase 1 deficiency. Last evaluated: 2023-12-07. Review status: criteria provided, single submitter. Criteria: ARUP Molecular Germline Variant Investigation Process 2024. Collection method: clinical testing. Allele origin: germline.
Comment: The ECHS1 c.7G>A; p.Ala3Thr variant (rs1057520096), to our knowledge, is not reported in the medical literature but is reported in ClinVar (Variation ID: 376958). This variant is only observed on two alleles in the Genome Aggregation Database (v2.1.1), indicating it is not a common polymorphism. Computational analyses predict that this variant is neutral (REVEL: 0.042). Due to limited information, the clinical significance of this variant is uncertain at this time.

GeneDx
Classification: Likely pathogenic. Last evaluated: 2023-09-08. Review status: criteria provided, single submitter. Criteria: GeneDx Variant Classification Process June 2021. Collection method: clinical testing. Allele origin: germline.
Comment: Not observed at significant frequency in large population cohorts (gnomAD); In silico analysis supports that this missense variant does not alter protein structure/function; Has not been previously published as pathogenic or benign to our knowledge

Labcorp Genetics (formerly Invitae), Labcorp
Classification: Uncertain significance. Last evaluated: 2022-03-20. Review status: criteria provided, single submitter. Criteria: Invitae Variant Classification Sherloc (09022015). Collection method: clinical testing. Allele origin: germline.
Comment: This sequence change replaces alanine, which is neutral and non-polar, with threonine, which is neutral and polar, at codon 3 of the ECHS1 protein (p.Ala3Thr). The frequency data for this variant in the population databases is considered unreliable, as metrics indicate poor data quality at this position in the gnomAD database. This variant has not been reported in the literature in individuals affected with ECHS1-related conditions. ClinVar contains an entry for this variant (Variation ID: 376958). Advanced modeling of protein sequence and biophysical properties (such as structural, functional, and spatial information, amino acid conservation, physicochemical variation, residue mobility, and thermodynamic stability) performed at Invitae indicates that this missense variant is not expected to disrupt ECHS1 protein function. In summary, the available evidence is currently insufficient to determine the role of this variant in disease. Therefore, it has been classified as a Variant of Uncertain Significance.

Center for Pediatric Genomic Medicine, Children's Mercy Hospital and Clinics
Classification: Uncertain significance. Last evaluated: 2016-10-12. Review status: criteria provided, single submitter. Criteria: ACMG Guidelines, 2015. Collection method: clinical testing. Allele origin: germline.
ClinVar note: Converted during submission from Uncertain Significance to Uncertain significance.